The following is an entry in ClinVar:

ClinVar aggregate classification (germline): Likely benign (1 of 4 stars; one submission).

Allele frequency attached by ClinVar (database versions not stated): 1000 Genomes Project 0.00599; gnomAD 0.00645 and 0.00698; 1000 Genomes Project 30x 0.00656; TOPMed 0.00739.
gnomAD v4.1: 975 of 152,320 alleles (0.64%); highest among the groups gnomAD compares: African/African-American, 2.2%; 12 homozygotes.

Submission:

GeneDx
Classification: Likely benign. Last evaluated: 2018-06-14. Review status: criteria provided, single submitter. Criteria: GeneDx Variant Classification (06012015). Collection method: clinical testing. Allele origin: germline. Affected: yes.
Comment: This variant is considered likely benign or benign based on one or more of the following criteria: it is a conservative change, it occurs at a poorly conserved position in the protein, it is predicted to be benign by multiple in silico algorithms, and/or has population frequency not consistent with disease.

NM_017617.5(NOTCH1):c.2969+182C>T

Gene: NOTCH1 (notch receptor 1; minus strand). Cytogenetic location: 9q34.3.
Variant type: single nucleotide variant.
Coding change: c.2969+182C>T on transcript NM_017617.5 (MANE Select); 182 bases into the intron after coding-DNA position 2969, C replaced by T.
Molecular consequence: intron variant.
Genome position (GRCh38, 1-based): chr9:136,509,551, G>A on the plus strand (C>T on the coding strand, the complement: NOTCH1 is on the minus strand). VCF-style: chr9-136509551-G-A. GRCh37 (hg19) VCF-style: chr9-139404003-G-A.
Identifiers: ClinVar variation 679881 (VCV000679881.1), dbSNP rs140806253, ClinGen allele CA201581782.